The following is an entry in ClinVar:

ClinVar aggregate classification (germline): Uncertain significance. Review status: criteria provided, multiple submitters, no conflicts (2 of 4 stars). 3 submissions from 3 submitters: Uncertain significance (3). Last evaluated 2026-10-19.

Allele frequency attached by ClinVar (database versions not stated): gnomAD exomes 0.00032; ExAC 0.00021; ESP Exome Variant Server 0.00023; gnomAD 0.00025; TOPMed 0.00028.

Submissions (3):

GeneDx
Classification: Uncertain significance. Last evaluated: 2026-10-19. Review status: criteria provided, single submitter. Criteria: GeneDx Variant Classification Process June 2021. Collection method: clinical testing. Allele origin: germline.
Comment: In silico analysis supports that this missense variant has a deleterious effect on protein structure/function; Has not been previously published as pathogenic or benign to our knowledge

Labcorp Genetics (formerly Invitae), Labcorp
Classification: Uncertain significance. Last evaluated: 2024-10-18. Review status: criteria provided, single submitter. Criteria: Invitae Variant Classification Sherloc (09022015). Collection method: clinical testing. Allele origin: germline.
Comment: This sequence change replaces arginine, which is basic and polar, with cysteine, which is neutral and slightly polar, at codon 202 of the ILDR1 protein (p.Arg202Cys). This variant is present in population databases (rs148433157, gnomAD 0.03%). This variant has not been reported in the literature in individuals affected with ILDR1-related conditions. ClinVar contains an entry for this variant (Variation ID: 2662822). An algorithm developed to predict the effect of missense changes on protein structure and function (PolyPhen-2) suggests that this variant is likely to be disruptive. In summary, the available evidence is currently insufficient to determine the role of this variant in disease. Therefore, it has been classified as a Variant of Uncertain Significance.

Mayo Clinic Laboratories, Mayo Clinic
Classification: Uncertain significance. Last evaluated: 2023-05-12. Review status: criteria provided, single submitter. Criteria: ACMG Guidelines, 2015. Collection method: clinical testing. Allele origin: germline. Observed: 1 variant allele.
Comment: PM2

NM_001199799.2(ILDR1):c.604C>T (p.Arg202Cys)

Gene: ILDR1 (immunoglobulin like domain containing receptor 1; minus strand). Cytogenetic location: 3q13.33.
Variant type: single nucleotide variant.
Coding change: c.604C>T on transcript NM_001199799.2 (MANE Select); coding-DNA position 604, C replaced by T.
Protein change: p.Arg202Cys; replaces arginine 202 with cysteine.
Molecular consequence: missense variant. On other transcripts: intron variant (1).
Genome position (GRCh38, 1-based): chr3:122,001,350, G>A on the plus strand (C>T on the coding strand, the complement: ILDR1 is on the minus strand). VCF-style: chr3-122001350-G-A. GRCh37 (hg19) VCF-style: chr3-121720197-G-A.
Other names: p.Arg202Cys; c.604C>T, p.Arg202Cys (NM_175924.4); c.379+3894C>T (NM_001199800.2); short protein forms R202C.
Identifiers: ClinVar variation 2662822 (VCV002662822.5), dbSNP rs148433157, ClinGen allele CA2568880.
Genomic context (GRCh38, chr3:122,001,350, plus strand): 5'-TTGTCTGTCCCCTCTCACCTTCCTCAGGACAGCAGCAGTGGGCAGGACAGCAGGGACAGC[G>A]GATATAGCAGCAGCAATACTGAGGACAGCACTGGCACCAGCACACTCCAATCAGCAGCAG-3'
Protein context (NP_001186728.1, residues 192-212): CCPQYCCCYI[Arg202Cys]CPCCPAHCCC